The following is an entry in ClinVar:

ClinVar aggregate classification (germline): Benign (0 of 4 stars; one submission).

Conditions:
MUC16-related disorder. Also called: MUC16-related condition.

Allele frequency attached by ClinVar (database versions not stated): ExAC 0.00272; ESP Exome Variant Server 0.00412; 1000 Genomes Project 0.00559; 1000 Genomes Project 30x 0.00625.

Submission:

PreventionGenetics, part of Exact Sciences
Classification: Benign for MUC16-related condition. Last evaluated: 2019-03-14. Review status: no assertion criteria provided. Collection method: clinical testing. Allele origin: germline.
Comment: This variant is classified as benign based on ACMG/AMP sequence variant interpretation guidelines (Richards et al. 2015 PMID: 25741868, with internal and published modifications).

NM_001401501.2(MUC16):c.44498G>A (p.Arg14833Gln)

Gene: MUC16 (mucin 16, cell surface associated; minus strand). Cytogenetic location: 19p13.2.
Variant type: single nucleotide variant.
Coding change: c.44498G>A on transcript NM_001401501.2 (MANE Select); coding-DNA position 44498, G replaced by A.
Protein change: p.Arg14833Gln; replaces arginine 14833 with glutamine.
Molecular consequence: missense variant.
Genome position (GRCh38, 1-based): chr19:8,871,627, C>T on the plus strand (G>A on the coding strand, the complement: MUC16 is on the minus strand). VCF-style: chr19-8871627-C-T. GRCh37 (hg19) VCF-style: chr19-8982303-C-T.
Other names: c.44924G>A, p.Arg14975Gln (NM_001414686.1); c.44378G>A, p.Arg14793Gln (NM_001414687.1); c.41972G>A, p.Arg13991Gln (NM_024690.2); short protein forms R13991Q, R14793Q, R14833Q, R14975Q.
Identifiers: ClinVar variation 3038145 (VCV003038145.2), dbSNP rs114920126, ClinGen allele CA9162554.